The following is an entry in ClinVar:

NM_007294.4(BRCA1):c.4182_4183dup (p.Gln1395fs)

Gene: BRCA1 (BRCA1 DNA repair associated; minus strand). Cytogenetic location: 17q21.31.
Variant type: Duplication.
Coding change: c.4182_4183dup on transcript NM_007294.4 (MANE Select); coding-DNA positions 4182 to 4183, 2 bases duplicated (TC; older notation c.4182_4183dupTC).
Protein change: p.Gln1395fs; shifts the reading frame from glutamine 1395.
Molecular consequence: frameshift variant. On other transcripts: non-coding transcript variant (1).
Genome position (GRCh38, 1-based): chr17:43,090,946-43,090,947, GA duplicated on the plus strand (TC on the coding strand, the reverse complement: BRCA1 is on the minus strand); duplicating any 2 consecutive bases within chr17:43,090,946-43,090,948 gives the same sequence; the c. name uses the placement nearest the transcript's 3' end. VCF-style (leftmost placement, unchanged base first): chr17-43090945-T-TGA. GRCh37 (hg19) VCF-style: chr17-41242962-T-TGA.
Other names: 4302insTC; c.4182_4183dupTC (NM_007294.3); c.659_660dup, p.Gln221Leufs (NM_001408493.1, NM_001408490.1, NM_001408491.1); c.632_633dup, p.Gln212Leufs (NM_001408494.1); c.629_630dup, p.Gln211Leufs (NM_001408495.1); c.608_609dup, p.Gln204Leufs (NM_001408496.1, NM_001408497.1, NM_001408498.1 and 3 more transcripts); c.539_540dup, p.Gln181Leufs (NM_001408502.1); c.605_606dup, p.Gln203Leufs (NM_001408503.1, NM_001408504.1, NM_001408505.1); and 46 more; short protein forms Q1348fs, Q1395fs, Q292fs.
Identifiers: ClinVar variation 55124 (VCV000055124.19), dbSNP rs80357742, ClinGen allele CA002674.
Genomic context (GRCh38, chr17:43,090,945, plus strand): 5'-ACTACTGAATGCAAAGGACACCACACACACGCATGTGCACACACACACACGCTTTTTACC[T>TGA]GAGTGGTTAAAATGTCACTCTGAGAGGATAGCCCTGAGCAGTCTTCAGAGACGCTTGTTT-3'

ClinVar aggregate classification (germline): Pathogenic. Review status: reviewed by expert panel (3 of 4 stars). 8 submissions from 8 submitters: Pathogenic (1). 7 of the submissions do not count toward it. Last evaluated 2016-09-08.

Conditions:
Hereditary cancer-predisposing syndrome. Also called: Hereditary Cancer Syndrome; Hereditary neoplastic syndrome; Neoplastic Syndromes, Hereditary; Tumor predisposition. Identifiers: Orphanet 140162, MedGen C0027672, MeSH D009386, MONDO:0015356.
Hereditary breast ovarian cancer syndrome. Also called: BRCA1- and BRCA2-Associated Hereditary Breast and Ovarian Cancer; Hereditary breast and ovarian cancer syndrome; Hereditary breast and ovarian cancer syndrome (HBOC); Breast and ovarian cancer; Hereditary breast and/or ovarian cancer syndrome; Hereditary breast and ovarian cancer. Identifiers: Orphanet 145, MedGen C0677776, MeSH D061325, MONDO:0003582. Disease mechanism: loss of function.
Breast-ovarian cancer, familial, susceptibility to, 1 (BROVCA1). Also called: BRCA1 Hereditary Breast and Ovarian Cancer; OVARIAN CANCER, SUSCEPTIBILITY TO. Identifiers: Orphanet 145, MedGen C2676676, MONDO:0011450, OMIM 604370. Disease mechanism: loss of function.

Submissions (8):

Evidence-based Network for the Interpretation of Germline Mutant Alleles (ENIGMA)
Classification: Pathogenic for Breast-ovarian cancer, familial, susceptibility to, 1. Last evaluated: 2016-09-08. Review status: reviewed by expert panel. Criteria: ENIGMA BRCA1/2 Classification Criteria (2015). Collection method: curation. Allele origin: germline.
Comment: Variant allele predicted to encode a truncated non-functional protein.

Labcorp Genetics (formerly Invitae), Labcorp
Classification: Pathogenic for Hereditary breast ovarian cancer syndrome. Last evaluated: 2024-02-08. Review status: criteria provided, single submitter. Criteria: Invitae Variant Classification Sherloc (09022015). Collection method: clinical testing. Allele origin: germline. Not counted in ClinVar's aggregate classification.
Comment: This sequence change creates a premature translational stop signal (p.Gln1395Leufs*11) in the BRCA1 gene. It is expected to result in an absent or disrupted protein product. Loss-of-function variants in BRCA1 are known to be pathogenic (PMID: 20104584). This variant is present in population databases (rs80357742, gnomAD 0.0009%). This premature translational stop signal has been observed in individual(s) with ovarian cancer (PMID: 21990299). ClinVar contains an entry for this variant (Variation ID: 55124). For these reasons, this variant has been classified as Pathogenic.

All of Us Research Program, National Institutes of Health
Classification: Pathogenic for Breast-ovarian cancer, familial, susceptibility to, 1. Last evaluated: 2023-12-13. Review status: criteria provided, single submitter. Criteria: ACMG Guidelines, 2015. Collection method: clinical testing. Allele origin: germline. Inheritance: Autosomal dominant inheritance. Observed: 1 variant allele, 1 heterozygote. Not counted in ClinVar's aggregate classification.
Comment: This variant inserts 2 nucleotides in exon 11 of the BRCA1 gene, creating a frameshift and premature translation stop signal. This variant is expected to result in an absent or non-functional protein product. A frameshift mutation at this codon Gln1395 has been reported in an individual affected with ovarian cancer (PMID: 21990299). This variant has been identified in 1/242736 chromosomes in the general population by the Genome Aggregation Database (gnomAD). Loss of BRCA1 function is a known mechanism of disease. Based on the available evidence, this variant is classified as Pathogenic.

This study involves interpretation of variants in research participants for the purpose of population health screening. Participant phenotype was not available at the time of variant classification. Additional details can be found in publication PMID: 35346344, PMCID: PMC8962531

Color Diagnostics, LLC DBA Color Health
Classification: Pathogenic for Hereditary cancer-predisposing syndrome. Last evaluated: 2023-10-18. Review status: criteria provided, single submitter. Criteria: ACMG Guidelines, 2015. Collection method: clinical testing. Allele origin: germline. Not counted in ClinVar's aggregate classification.
Comment: This variant inserts 2 nucleotides in exon 11 of the BRCA1 gene, creating a frameshift and premature translation stop signal. This variant is expected to result in an absent or non-functional protein product. A frameshift mutation at this codon Gln1395 has been reported in an individual affected with ovarian cancer (PMID: 21990299). This variant has been identified in 1/242736 chromosomes in the general population by the Genome Aggregation Database (gnomAD). Loss of BRCA1 function is a known mechanism of disease. Based on the available evidence, this variant is classified as Pathogenic.

Ambry Genetics
Classification: Pathogenic for Hereditary cancer-predisposing syndrome. Last evaluated: 2022-06-19. Review status: criteria provided, single submitter. Criteria: Ambry Variant Classification Scheme 2023. Collection method: clinical testing. Allele origin: germline. Not counted in ClinVar's aggregate classification.
Comment: The c.4182_4183dupTC pathogenic mutation, located in coding exon 10 of the BRCA1 gene, results from a duplication of 2 nucleotides at positions 4182 and 4183, causing a translational frameshift with a predicted alternate stop codon (p.Q1395Lfs*11). This alteration is expected to result in loss of function by premature protein truncation or nonsense-mediated mRNA decay. As such, this alteration is interpreted as a disease-causing mutation.

GeneDx
Classification: Pathogenic. Last evaluated: 2015-11-12. Review status: criteria provided, single submitter. Criteria: GeneDx Variant Classification (06012015). Collection method: clinical testing. Allele origin: germline. Affected: yes. Not counted in ClinVar's aggregate classification.
Comment: This duplication of 2 nucleotides in BRCA1 is denoted c.4182_4183dupTC at the cDNA level and p.Gln1395LeufsX11 (Q1395LfsX11) at the protein level. The normal sequence, with the bases that are duplicated in braces, is CCAC[TC]AGgt, where the capital letters are exonic and lowercase are intronic. The duplication causes a frameshift, which changes a Glutamine to a Leucine at codon 1395, and creates a premature stop codon at position 11 of the new reading frame. This variant is predicted to cause loss of normal protein function through either protein truncation or nonsense-mediated mRNA decay. BRCA1 c.4182_4183dupTC, also reported as BRCA1 Q1395fs, has been observed in at least one woman with serous ovarian cancer (Yang 2011). We consider this variant to be pathogenic.

Sharing Clinical Reports Project (SCRP)
Classification: Pathogenic for Breast-ovarian cancer, familial 1. Last evaluated: 2012-03-01. Review status: no assertion criteria provided. Collection method: clinical testing. Allele origin: germline. Not counted in ClinVar's aggregate classification.

Breast Cancer Information Core (BIC) (BRCA1)
Classification: Pathogenic for Breast-ovarian cancer, familial 1. Last evaluated: 2004-11-25. Review status: no assertion criteria provided. Collection method: clinical testing. Allele origin: germline. Affected: yes. Observed: 1 variant allele. Not counted in ClinVar's aggregate classification.

Literature cited by the submitters: PubMed 20104584 (cited by Labcorp Genetics (formerly Invitae), Labcorp); PubMed 21990299 (cited by 4 submitters).